The following is an entry in ClinVar:

NM_002160.4(TNC):c.2977G>A (p.Val993Ile)

Gene: TNC (tenascin C; minus strand). Cytogenetic location: 9q33.1.
Variant type: single nucleotide variant.
Coding change: c.2977G>A on transcript NM_002160.4 (MANE Select); coding-DNA position 2977, G replaced by A.
Protein change: p.Val993Ile; replaces valine 993 with isoleucine.
Molecular consequence: missense variant.
Genome position (GRCh38, 1-based): chr9:115,073,840, C>T on the plus strand (G>A on the coding strand, the complement: TNC is on the minus strand). VCF-style: chr9-115073840-C-T. GRCh37 (hg19) VCF-style: chr9-117836119-C-T.
Other names: c.2977G>A, p.Val993Ile (NM_001410991.1); short protein forms V993I.
Identifiers: ClinVar variation 3459048 (VCV003459048.3).

ClinVar aggregate classification (germline): Uncertain significance. Review status: criteria provided, multiple submitters, no conflicts (2 of 4 stars). 3 submissions from 3 submitters: Uncertain significance (3). Last evaluated 2025-11-07.

Conditions:
TNC-related disorder. Also called: TNC-related condition.

gnomAD v4.1: 10 of 1,612,182 alleles (0.00062%); highest among the groups gnomAD compares: Admixed American, 0.0067%; no homozygotes.

Submissions (3):

PreventionGenetics, part of Exact Sciences
Classification: Uncertain significance for TNC-related condition. Last evaluated: 2025-11-07. Review status: criteria provided, single submitter. Criteria: ACMG Guidelines, 2015. Collection method: clinical testing. Allele origin: germline.
Comment: The TNC c.2977G>A variant is predicted to result in the amino acid substitution p.Val993Ile. To our knowledge, this variant has not been reported in the literature. This variant is reported in 0.0087% of alleles in individuals of Latino descent in gnomAD. At this time, the clinical significance of this variant is uncertain due to the absence of conclusive functional and genetic evidence.

Ambry Genetics
Classification: Uncertain significance. Last evaluated: 2024-11-24. Review status: criteria provided, single submitter. Criteria: Ambry Variant Classification Scheme 2023. Collection method: clinical testing. Allele origin: germline.

Blueprint Genetics
Classification: Uncertain significance. Last evaluated: 2024-08-28. Review status: criteria provided, single submitter. Criteria: ACMG Guidelines, 2015. Collection method: clinical testing. Allele origin: germline.